The following is an entry in ClinVar:

ClinVar aggregate classification (germline): Likely benign. Review status: criteria provided, multiple submitters, no conflicts (2 of 4 stars). 2 submissions from 2 submitters: Likely benign (2). Last evaluated 2022-11-11.

Allele frequency attached by ClinVar (database versions not stated): gnomAD exomes 0.00001; ExAC 0.00002; gnomAD 0.00006 and 0.00007; ESP Exome Variant Server 0.00008; TOPMed 0.00009; 1000 Genomes Project 0.00020; 1000 Genomes Project 30x 0.00031.
gnomAD v4.1: 20 of 1,614,142 alleles (0.0012%); highest among the groups gnomAD compares: African/African-American, 0.023%; no homozygotes.

Submissions (2):

Labcorp Genetics (formerly Invitae), Labcorp
Classification: Likely benign. Last evaluated: 2022-11-11. Review status: criteria provided, single submitter. Criteria: Invitae Variant Classification Sherloc (09022015). Collection method: clinical testing. Allele origin: germline.

GeneDx
Classification: Likely benign. Last evaluated: 2018-02-16. Review status: criteria provided, single submitter. Criteria: GeneDx Variant Classification (06012015). Collection method: clinical testing. Allele origin: germline. Affected: yes.
Comment: This variant is considered likely benign or benign based on one or more of the following criteria: it is a conservative change, it occurs at a poorly conserved position in the protein, it is predicted to be benign by multiple in silico algorithms, and/or has population frequency not consistent with disease.

NM_017875.4(SLC25A38):c.798T>C (p.Tyr266=)

Gene: SLC25A38 (solute carrier family 25 member 38; plus strand). Cytogenetic location: 3p22.1.
Variant type: single nucleotide variant.
Coding change: c.798T>C on transcript NM_017875.4 (MANE Select); coding-DNA position 798, T replaced by C.
Protein change: p.Tyr266=; no amino-acid change (tyrosine 266 retained).
Molecular consequence: synonymous variant. On other transcripts: missense variant (1).
Genome position (GRCh38, 1-based): chr3:39,396,403, T>C. VCF-style: chr3-39396403-T-C. GRCh37 (hg19) VCF-style: chr3-39437894-T-C.
Other names: c.798T>C, p.Tyr266= (LRG_1133t1); c.631T>C, p.Trp211Arg (NM_001354798.2); short protein forms W211R.
Identifiers: ClinVar variation 515225 (VCV000515225.4), dbSNP rs141672367, ClinGen allele CA2327560.